The following is an entry in ClinVar:

ClinVar aggregate classification (germline): Pathogenic (1 of 4 stars; one submission).

Conditions:
Glycine encephalopathy. Also called: Non-ketotic hyperglycinemia; Nonketotic hyperglycinemia. Identifiers: Orphanet 407, MedGen C0751748, MONDO:0011612, HP:0008288.

Submission:

Labcorp Genetics (formerly Invitae), Labcorp
Classification: Pathogenic for Glycine encephalopathy. Last evaluated: 2022-07-08. Review status: criteria provided, single submitter. Criteria: Invitae Variant Classification Sherloc (09022015). Collection method: clinical testing. Allele origin: germline.
Comment: This sequence change creates a premature translational stop signal (p.Leu151*) in the GLDC gene. It is expected to result in an absent or disrupted protein product. Loss-of-function variants in GLDC are known to be pathogenic (PMID: 16601880). This variant is not present in population databases (gnomAD no frequency). This variant has not been reported in the literature in individuals affected with GLDC-related conditions. For these reasons, this variant has been classified as Pathogenic.

Literature cited by the submitters: PubMed 16601880.

NM_000170.3(GLDC):c.452T>G (p.Leu151Ter)

Gene: GLDC (glycine decarboxylase; minus strand). Cytogenetic location: 9p24.1.
Variant type: single nucleotide variant.
Coding change: c.452T>G on transcript NM_000170.3 (MANE Select); coding-DNA position 452, T replaced by G.
Protein change: p.Leu151Ter; replaces leucine 151 with a stop codon.
Molecular consequence: nonsense.
Genome position (GRCh38, 1-based): chr9:6,620,202, A>C on the plus strand (T>G on the coding strand, the complement: GLDC is on the minus strand). VCF-style: chr9-6620202-A-C. GRCh37 (hg19) VCF-style: chr9-6620202-A-C.
Other names: short protein forms L151*.
Identifiers: ClinVar variation 1912116 (VCV001912116.5), dbSNP rs1819058900, ClinGen allele CA372879179.
Genomic context (GRCh38, chr9:6,620,202, plus strand): 5'-CAAATCACAGTCATCCTGTTCCTGAACTGAGAAATACATTACCATCCTGAGTTCTCCAGT[A>C]AGTTCCGCAAAATCGTCTGTGGCACTGAGCAGTTATAATAGCCCATGCCAATATACGATC-3'